The following is an entry in ClinVar:

ClinVar aggregate classification (germline): Uncertain significance (1 of 4 stars; one submission).

Conditions:
Fetal akinesia deformation sequence 1 (FADS1). Also called: Fetal akinesia sequence; Pena-Shokeir syndrome type I. Identifiers: Orphanet 994, MedGen C1276035, MONDO:0100101, OMIM 208150, HP:0001989.
Congenital myasthenic syndrome 10. Also called: Myasthenia, limb-girdle, familial. Identifiers: Orphanet 590, MedGen C1850792, MONDO:0009690, OMIM 254300.

gnomAD v4.1: 5 of 1,608,580 alleles (0.00031%); highest among the groups gnomAD compares: Admixed American, 0.005%; no homozygotes.

Submission:

Labcorp Genetics (formerly Invitae), Labcorp
Classification: Uncertain significance for Congenital myasthenic syndrome 10; Fetal akinesia deformation sequence 1. Last evaluated: 2021-08-15. Review status: criteria provided, single submitter. Criteria: Invitae Variant Classification Sherloc (09022015). Collection method: clinical testing. Allele origin: germline.
Comment: This sequence change replaces alanine with threonine at codon 119 of the DOK7 protein (p.Ala119Thr). The alanine residue is moderately conserved and there is a small physicochemical difference between alanine and threonine. This variant is not present in population databases (ExAC no frequency). This variant has not been reported in the literature in individuals affected with DOK7-related conditions. Algorithms developed to predict the effect of missense changes on protein structure and function are either unavailable or do not agree on the potential impact of this missense change (SIFT: "Tolerated"; PolyPhen-2: "Probably Damaging"; Align-GVGD: "Class C0"). In summary, the available evidence is currently insufficient to determine the role of this variant in disease. Therefore, it has been classified as a Variant of Uncertain Significance.

NM_173660.5(DOK7):c.355G>A (p.Ala119Thr)

Gene: DOK7 (docking protein 7; plus strand). Cytogenetic location: 4p16.3.
Variant type: single nucleotide variant.
Coding change: c.355G>A on transcript NM_173660.5 (MANE Select); coding-DNA position 355, G replaced by A.
Protein change: p.Ala119Thr; replaces alanine 119 with threonine.
Molecular consequence: missense variant. On other transcripts: intron variant (1).
Genome position (GRCh38, 1-based): chr4:3,476,365, G>A. VCF-style: chr4-3476365-G-A. GRCh37 (hg19) VCF-style: chr4-3478092-G-A.
Other names: c.355G>A, p.Ala119Thr (NM_001164673.2, NM_001301071.2); c.101-9174G>A (NM_001363811.2); short protein forms A119T.
Identifiers: ClinVar variation 1516880 (VCV001516880.3), dbSNP rs951094929, ClinGen allele CA91532305.
Genomic context (GRCh38, chr4:3,476,365, plus strand): 5'-CCCGCCCGTGATGCCCTCTTGCCCCGCCTGCCCGCAGTGCATAGGTTCCATGTGACAGTG[G>A]CTCCAGGCACCAAGTTGGAGAGCGGCCCGGCTACCCTGCACCTCTGCAATGATGTCCTCG-3'
Protein context (NP_775931.3, residues 109-129): GEVHRFHVTV[Ala119Thr]PGTKLESGPA